The following is an entry in ClinVar:

ClinVar aggregate classification (germline): Likely pathogenic (1 of 4 stars; one submission).

Conditions:
Autosomal dominant hypocalcemia 1 (HYPOC1). Also called: HYPOCALCEMIA, FAMILIAL. Identifiers: MedGen C3715128, MONDO:0011013, OMIM 601198.
Familial hypocalciuric hypercalcemia (FHH). Also called: Familial benign hypercalcemia. Identifiers: Orphanet 405, MedGen C1809471, MONDO:0018458.

Submission:

Labcorp Genetics (formerly Invitae), Labcorp
Classification: Likely pathogenic for Familial hypocalciuric hypercalcemia; Autosomal dominant hypocalcemia 1. Last evaluated: 2024-01-27. Review status: criteria provided, single submitter. Criteria: Invitae Variant Classification Sherloc (09022015). Collection method: clinical testing. Allele origin: germline.
Comment: This sequence change affects a donor splice site in intron 3 of the CASR gene. It is expected to disrupt RNA splicing. Variants that disrupt the donor or acceptor splice site typically lead to a loss of protein function (PMID: 16199547), and loss-of-function variants in CASR are known to be pathogenic (PMID: 11807402, 14985373, 22422767). This variant is not present in population databases (gnomAD no frequency). This variant has not been reported in the literature in individuals affected with CASR-related conditions. Algorithms developed to predict the effect of sequence changes on RNA splicing suggest that this variant may disrupt the consensus splice site. In summary, the currently available evidence indicates that the variant is pathogenic, but additional data are needed to prove that conclusively. Therefore, this variant has been classified as Likely Pathogenic.

Literature cited by the submitters: PubMed 16199547; PubMed 11807402; PubMed 14985373; PubMed 22422767.

NM_000388.4(CASR):c.492+2T>C

Gene: CASR (calcium sensing receptor; plus strand). Cytogenetic location: 3q21.1.
Variant type: single nucleotide variant.
Coding change: c.492+2T>C on transcript NM_000388.4 (MANE Select); the canonical splice donor site of the intron after coding-DNA position 492, T replaced by C.
Molecular consequence: splice donor variant.
Genome position (GRCh38, 1-based): chr3:122,257,389, T>C. VCF-style: chr3-122257389-T-C. GRCh37 (hg19) VCF-style: chr3-121976236-T-C.
Other names: c.492+2T>C (NM_001178065.2).
Identifiers: ClinVar variation 2922631 (VCV002922631.3), dbSNP rs2473215439, ClinGen allele CA354363012.